The following is an entry in ClinVar:

ClinVar aggregate classification (germline): Uncertain significance. Review status: criteria provided, multiple submitters, no conflicts (2 of 4 stars). 2 submissions from 2 submitters: Uncertain significance (2). Last evaluated 2025-02-17.

Conditions:
Charcot-Marie-Tooth disease axonal type 2O. Also called: CHARCOT-MARIE-TOOTH NEUROPATHY, AXONAL, TYPE 2O; CHARCOT-MARIE-TOOTH DISEASE, AXONAL, AUTOSOMAL DOMINANT, TYPE 2O; Charcot-Marie-Tooth Neuropathy Type 2O; Charcot-Marie-Tooth disease, axonal, type 20. Identifiers: Orphanet 284232, MedGen C3280220, MONDO:0013644, OMIM 614228.

Submissions (2):

Labcorp Genetics (formerly Invitae), Labcorp
Classification: Uncertain significance for Charcot-Marie-Tooth disease axonal type 2O. Last evaluated: 2025-02-17. Review status: criteria provided, single submitter. Criteria: Invitae Variant Classification Sherloc (09022015). Collection method: clinical testing. Allele origin: germline.
Comment: This sequence change replaces histidine, which is basic and polar, with leucine, which is neutral and non-polar, at codon 4291 of the DYNC1H1 protein (p.His4291Leu). This variant is not present in population databases (gnomAD no frequency). This variant has not been reported in the literature in individuals affected with DYNC1H1-related conditions. ClinVar contains an entry for this variant (Variation ID: 2412921). Invitae Evidence Modeling of protein sequence and biophysical properties (such as structural, functional, and spatial information, amino acid conservation, physicochemical variation, residue mobility, and thermodynamic stability) indicates that this missense variant is not expected to disrupt DYNC1H1 protein function with a negative predictive value of 95%. In summary, the available evidence is currently insufficient to determine the role of this variant in disease. Therefore, it has been classified as a Variant of Uncertain Significance.

GeneDx
Classification: Uncertain significance. Last evaluated: 2024-01-22. Review status: criteria provided, single submitter. Criteria: GeneDx Variant Classification Process June 2021. Collection method: clinical testing. Allele origin: germline.
Comment: Not observed at significant frequency in large population cohorts (gnomAD); In silico analysis supports that this missense variant does not alter protein structure/function; Has not been previously published as pathogenic or benign to our knowledge; This variant is associated with the following publications: (PMID: 26100331, 25609763, 25512093)

NM_001376.5(DYNC1H1):c.12872A>T (p.His4291Leu)

Gene: DYNC1H1 (dynein cytoplasmic 1 heavy chain 1; plus strand). Cytogenetic location: 14q32.31.
Variant type: single nucleotide variant.
Coding change: c.12872A>T on transcript NM_001376.5 (MANE Select); coding-DNA position 12872, A replaced by T.
Protein change: p.His4291Leu; replaces histidine 4291 with leucine.
Molecular consequence: missense variant.
Genome position (GRCh38, 1-based): chr14:102,044,461, A>T. VCF-style: chr14-102044461-A-T. GRCh37 (hg19) VCF-style: chr14-102510798-A-T.
Other names: short protein forms H4291L.
Identifiers: ClinVar variation 2412921 (VCV002412921.6), dbSNP rs2503867907, ClinGen allele CA391044253.
Genomic context (GRCh38, chr14:102,044,461, plus strand): 5'-GCCTGTTCACAACCAGGAGTTTCGACAGTGAGTTTAAGCTGGCATGCAAGGTCGACGGAC[A>T]TAAAGACATTCAAATGCCAGATGGCATCAGGTATGCTGCTGCCTGCTGGAATGGAGACAG-3'
Protein context (NP_001367.2, residues 4281-4301): EFKLACKVDG[His4291Leu]KDIQMPDGIR